The following is an entry in ClinVar:

ClinVar aggregate classification (germline): Likely pathogenic. Review status: criteria provided, single submitter (1 of 4 stars). 2 submissions from 2 submitters: Likely pathogenic (1). 1 of the submissions does not count toward it. Last evaluated 2022-03-19.

Conditions:
Monocarboxylate transporter 1 deficiency, autosomal dominant. Identifiers: MedGen C4016684.

Submissions (2):

GeneDx
Classification: Likely pathogenic. Last evaluated: 2022-03-19. Review status: criteria provided, single submitter. Criteria: GeneDx Variant Classification Process June 2021. Collection method: clinical testing. Allele origin: germline. Affected: yes.
Comment: Reported as a heterozygous variant in a patient with ketoacidosis with massive ketonuria and short stature in the published literature; however, additional clinical information and family history were not provided (van Hasselt PM et al., 2014); Frameshift variant predicted to result in protein truncation or nonsense mediated decay in a gene for which loss of function is a known mechanism of disease; Not observed at significant frequency in large population cohorts (gnomAD); This variant is associated with the following publications: (PMID: 25390740)

OMIM
Classification: Pathogenic for MONOCARBOXYLATE TRANSPORTER 1 DEFICIENCY, AUTOSOMAL DOMINANT. Last evaluated: 2014-11-13. Review status: no assertion criteria provided. Collection method: literature only. Allele origin: germline. Not counted in ClinVar's aggregate classification.

Literature cited by the submitters: van Hasselt, P. M., Ferdinandusse, S., Monroe, G. R., Ruiter, J. P. N., Turkenburg, M., Geerlings, M. J., Duran, K., Harakalova, M., van der Zwaag, B., Monavari, A. A., Okur, I., Sharrard, M. J., and 11 others Monocarboxylate transporter 1 deficiency and ketone utilization. New Eng. J. Med. 371: 1900-1907, 2014. (cited by OMIM).

NM_003051.4(SLC16A1):c.490dup (p.Leu164fs)

Gene: SLC16A1 (solute carrier family 16 member 1; minus strand). Cytogenetic location: 1p13.2.
Variant type: Duplication.
Coding change: c.490dup on transcript NM_003051.4 (MANE Select); coding-DNA position 490, one base duplicated (C; older notation c.490dupC).
Protein change: p.Leu164fs; shifts the reading frame from leucine 164.
Molecular consequence: frameshift variant.
Genome position (GRCh38, 1-based): chr1:112,917,916, G duplicated on the plus strand (C on the coding strand, the reverse complement: SLC16A1 is on the minus strand); the first of 6 consecutive G bases (chr1:112,917,916-112,917,921); duplicating any one gives the same sequence. VCF-style (leftmost placement, unchanged base first): chr1-112917915-A-AG. GRCh37 (hg19) VCF-style: chr1-113460537-A-AG.
Other names: c.490dup, p.Leu164fs (NM_001166496.2); short protein forms L164fs.
Identifiers: ClinVar variation 160372 (VCV000160372.3), dbSNP rs606231312, ClinGen allele CA173977.